The following is an entry in ClinVar:

NM_005918.4(MDH2):c.425A>G (p.Asn142Ser)

Gene: MDH2 (malate dehydrogenase 2; plus strand). Cytogenetic location: 7q11.23.
Variant type: single nucleotide variant.
Coding change: c.425A>G on transcript NM_005918.4 (MANE Select); coding-DNA position 425, A replaced by G.
Protein change: p.Asn142Ser; replaces asparagine 142 with serine.
Molecular consequence: missense variant.
Genome position (GRCh38, 1-based): chr7:76,058,074, A>G. VCF-style: chr7-76058074-A-G. GRCh37 (hg19) VCF-style: chr7-75687392-A-G.
Other names: c.425A>G, p.Asn142Ser (NM_001282403.2); c.104A>G, p.Asn35Ser (NM_001282404.2); short protein forms N35S, N142S.
Identifiers: ClinVar variation 3679201 (VCV003679201.2).

ClinVar aggregate classification (germline): Uncertain significance (1 of 4 stars; one submission).

gnomAD v4.1: 1 of 1,612,314 alleles (0.000062%); highest among the groups gnomAD compares: Non-Finnish European, 0.000085%; no homozygotes.

Submission:

Labcorp Genetics (formerly Invitae), Labcorp
Classification: Uncertain significance. Last evaluated: 2025-01-08. Review status: criteria provided, single submitter. Criteria: Invitae Variant Classification Sherloc (09022015). Collection method: clinical testing. Allele origin: germline.
Comment: This sequence change replaces asparagine, which is neutral and polar, with serine, which is neutral and polar, at codon 142 of the MDH2 protein (p.Asn142Ser). This variant is not present in population databases (gnomAD no frequency). This variant has not been reported in the literature in individuals affected with MDH2-related conditions. Invitae Evidence Modeling of protein sequence and biophysical properties (such as structural, functional, and spatial information, amino acid conservation, physicochemical variation, residue mobility, and thermodynamic stability) indicates that this missense variant is not expected to disrupt MDH2 protein function with a negative predictive value of 80%. In summary, the available evidence is currently insufficient to determine the role of this variant in disease. Therefore, it has been classified as a Variant of Uncertain Significance.